The following is an entry in ClinVar:

NM_001382391.1(CSPP1):c.1108G>T (p.Glu370Ter)

Gene: CSPP1 (centrosome and spindle pole associated protein 1; plus strand). Cytogenetic location: 8q13.2.
Variant type: single nucleotide variant.
Coding change: c.1108G>T on transcript NM_001382391.1 (MANE Select); coding-DNA position 1108, G replaced by T.
Protein change: p.Glu370Ter; replaces glutamic acid 370 with a stop codon.
Molecular consequence: nonsense.
Genome position (GRCh38, 1-based): chr8:67,111,986, G>T. VCF-style: chr8-67111986-G-T. GRCh37 (hg19) VCF-style: chr8-68024221-G-T.
Other names: c.253G>T, p.Glu85Ter (NM_001291339.2); c.1027G>T, p.Glu343Ter (NM_001363131.2, NM_001363133.2); c.1108G>T, p.Glu370Ter (NM_001363132.2); c.1216G>T, p.Glu406Ter (NM_001364869.1); c.1036G>T, p.Glu346Ter (NM_001364870.1); c.1135G>T, p.Glu379Ter (NM_024790.7); short protein forms E343*, E370*, E346*, E379*, E406*, E85*.
Identifiers: ClinVar variation 3725699 (VCV003725699.2).

ClinVar aggregate classification (germline): Pathogenic (1 of 4 stars; one submission).

Conditions:
Joubert syndrome 21 (JBTS21). Identifiers: MedGen C3810212, MONDO:0014288, OMIM 615636.

Submission:

Labcorp Genetics (formerly Invitae), Labcorp
Classification: Pathogenic for Joubert syndrome 21. Last evaluated: 2024-11-20. Review status: criteria provided, single submitter. Criteria: Invitae Variant Classification Sherloc (09022015). Collection method: clinical testing. Allele origin: germline.
Comment: This sequence change creates a premature translational stop signal (p.Glu379*) in the CSPP1 gene. It is expected to result in an absent or disrupted protein product. Loss-of-function variants in CSPP1 are known to be pathogenic (PMID: 24360807, 24360808). This variant is not present in population databases (gnomAD no frequency). This variant has not been reported in the literature in individuals affected with CSPP1-related conditions. For these reasons, this variant has been classified as Pathogenic.

Literature cited by the submitters: PubMed 24360807; PubMed 24360808.